The following is an entry in ClinVar:

ClinVar aggregate classification (germline): Uncertain significance (1 of 4 stars; one submission).

Conditions:
Alpha thalassemia-X-linked intellectual disability syndrome (ATRX). Also called: ALPHA-THALASSEMIA/MENTAL RETARDATION SYNDROME, X-LINKED; ATR, NONDELETION TYPE; ATR-X syndrome; Alpha thalassemia mental retardation syndrome, nondeletion type, X-linked; XLMR hypotonic face syndrome; X-linked alpha-thalassemia-mental retardation syndrome. Identifiers: Orphanet 847, MedGen C1845055, MONDO:0010519, OMIM 301040.

Submission:

Labcorp Genetics (formerly Invitae), Labcorp
Classification: Uncertain significance for Alpha thalassemia-X-linked intellectual disability syndrome. Last evaluated: 2024-12-15. Review status: criteria provided, single submitter. Criteria: Invitae Variant Classification Sherloc (09022015). Collection method: clinical testing. Allele origin: germline.
Comment: This sequence change replaces aspartic acid, which is acidic and polar, with histidine, which is basic and polar, at codon 611 of the ATRX protein (p.Asp611His). This variant is not present in population databases (gnomAD no frequency). This variant has not been reported in the literature in individuals affected with ATRX-related conditions. Invitae Evidence Modeling of protein sequence and biophysical properties (such as structural, functional, and spatial information, amino acid conservation, physicochemical variation, residue mobility, and thermodynamic stability) indicates that this missense variant is not expected to disrupt ATRX protein function with a negative predictive value of 95%. In summary, the available evidence is currently insufficient to determine the role of this variant in disease. Therefore, it has been classified as a Variant of Uncertain Significance.

NM_000489.6(ATRX):c.1831G>C (p.Asp611His)

Gene: ATRX (ATRX chromatin remodeler; minus strand). Cytogenetic location: Xq21.1.
Variant type: single nucleotide variant.
Coding change: c.1831G>C on transcript NM_000489.6 (MANE Select); coding-DNA position 1831, G replaced by C.
Protein change: p.Asp611His; replaces aspartic acid 611 with histidine.
Molecular consequence: missense variant.
Genome position (GRCh38, 1-based): chrX:77,683,425, C>G on the plus strand (G>C on the coding strand, the complement: ATRX is on the minus strand). VCF-style: chrX-77683425-C-G. GRCh37 (hg19) VCF-style: chrX-76938917-C-G.
Other names: c.1717G>C, p.Asp573His (NM_138270.5); short protein forms D611H, D573H.
Identifiers: ClinVar variation 3631980 (VCV003631980.2).